The following is an entry in ClinVar:

ClinVar aggregate classification (germline): Uncertain significance (1 of 4 stars; one submission).

Conditions:
Amyotrophic lateral sclerosis type 1 (ALS1). Also called: AMYOTROPHIC LATERAL SCLEROSIS 1, FAMILIAL. Identifiers: Orphanet 803, MedGen C1862939, MONDO:0007103, OMIM 105400.
Perry syndrome. Also called: PARKINSONISM WITH ALVEOLAR HYPOVENTILATION AND MENTAL DEPRESSION. Identifiers: Orphanet 178509, MedGen C1868594, MONDO:0008201, OMIM 168605.
Neuronopathy, distal hereditary motor, type 7B. Also called: Distal Hereditary Motor Neuronopathy Type 7B (dHMN7B); NEURONOPATHY, DISTAL HEREDITARY MOTOR, AUTOSOMAL DOMINANT 14; NEURONOPATHY, DISTAL HEREDITARY MOTOR, HARDING TYPE VIIB; NEUROPATHY, DISTAL HEREDITARY MOTOR, HARDING TYPE VIIB; NEUROPATHY, DISTAL HEREDITARY MOTOR, WITH VOCAL CORD PARALYSIS, HARDING TYPE VIIB; HMN VIIB. Identifiers: Orphanet 139589, MedGen C1843315, MONDO:0011879, OMIM 607641.

Allele frequency attached by ClinVar (database versions not stated): gnomAD exomes below 0.00001 and 0.00001; gnomAD 0.00001.
gnomAD v4.1: 19 of 1,614,030 alleles (0.0012%); highest among the groups gnomAD compares: Non-Finnish European, 0.0014%; no homozygotes.

Submission:

Labcorp Genetics (formerly Invitae), Labcorp
Classification: Uncertain significance for Amyotrophic lateral sclerosis type 1; Neuronopathy, distal hereditary motor, type 7B; Perry syndrome. Last evaluated: 2025-09-25. Review status: criteria provided, single submitter. Criteria: Invitae Variant Classification Sherloc (09022015). Collection method: clinical testing. Allele origin: germline.
Comment: This sequence change replaces arginine, which is basic and polar, with cysteine, which is neutral and slightly polar, at codon 497 of the DCTN1 protein (p.Arg497Cys). This variant is present in population databases (no rsID available, gnomAD 0.0009%). This variant has not been reported in the literature in individuals affected with DCTN1-related conditions. ClinVar contains an entry for this variant (Variation ID: 1505498). Invitae Evidence Modeling of protein sequence and biophysical properties (such as structural, functional, and spatial information, amino acid conservation, physicochemical variation, residue mobility, and thermodynamic stability) has been performed for this missense variant. However, the output from this modeling did not meet the statistical confidence thresholds required to predict the impact of this variant on DCTN1 protein function. In summary, the available evidence is currently insufficient to determine the role of this variant in disease. Therefore, it has been classified as a Variant of Uncertain Significance.

NM_004082.5(DCTN1):c.1489C>T (p.Arg497Cys)

Gene: DCTN1 (dynactin subunit 1; minus strand). Cytogenetic location: 2p13.1.
Variant type: single nucleotide variant.
Coding change: c.1489C>T on transcript NM_004082.5 (MANE Select); coding-DNA position 1489, C replaced by T.
Protein change: p.Arg497Cys; replaces arginine 497 with cysteine.
Molecular consequence: missense variant. On other transcripts: non-coding transcript variant (1).
Genome position (GRCh38, 1-based): chr2:74,369,395, G>A on the plus strand (C>T on the coding strand, the complement: DCTN1 is on the minus strand). VCF-style: chr2-74369395-G-A. GRCh37 (hg19) VCF-style: chr2-74596522-G-A.
Other names: c.1429C>T, p.Arg477Cys (NM_001135040.3); c.1087C>T, p.Arg363Cys (NM_001135041.3, NM_023019.4); c.1378C>T, p.Arg460Cys (NM_001190836.2); c.1468C>T, p.Arg490Cys (NM_001190837.2); c.1438C>T, p.Arg480Cys (NM_001378991.1); c.1420C>T, p.Arg474Cys (NM_001378992.1); short protein forms R460C, R363C, R480C, R490C, R477C, R497C, R474C.
Identifiers: ClinVar variation 1505498 (VCV001505498.8), dbSNP rs1327106238, ClinGen allele CA347358347.